The following is an entry in ClinVar:

ClinVar aggregate classification (germline): Uncertain significance. Review status: criteria provided, multiple submitters, no conflicts (2 of 4 stars). 2 submissions from 2 submitters: Uncertain significance (2). Last evaluated 2024-02-10.

Conditions:
Classic or attenuated familial adenomatous polyposis. Identifiers: MedGen CN372698, MONDO:0021057.
Familial adenomatous polyposis 1 (FAP1). Also called: POLYPOSIS, ADENOMATOUS INTESTINAL; FAMILIAL ADENOMATOUS POLYPOSIS 1, ATTENUATED. Identifiers: MedGen C2713442, MONDO:0021056, OMIM 175100. Disease mechanism: loss of function.

Submissions (2):

Labcorp Genetics (formerly Invitae), Labcorp
Classification: Uncertain significance for Familial adenomatous polyposis 1. Last evaluated: 2024-02-10. Review status: criteria provided, single submitter. Criteria: Invitae Variant Classification Sherloc (09022015). Collection method: clinical testing. Allele origin: germline.
Comment: This sequence change replaces serine, which is neutral and polar, with isoleucine, which is neutral and non-polar, at codon 2025 of the APC protein (p.Ser2025Ile). This variant is not present in population databases (gnomAD no frequency). This variant has not been reported in the literature in individuals affected with APC-related conditions. Advanced modeling of protein sequence and biophysical properties (such as structural, functional, and spatial information, amino acid conservation, physicochemical variation, residue mobility, and thermodynamic stability) performed at Invitae indicates that this missense variant is not expected to disrupt APC protein function with a negative predictive value of 95%. In summary, the available evidence is currently insufficient to determine the role of this variant in disease. Therefore, it has been classified as a Variant of Uncertain Significance.

All of Us Research Program, National Institutes of Health
Classification: Uncertain significance for Classic or attenuated familial adenomatous polyposis. Last evaluated: 2023-06-28. Review status: criteria provided, single submitter. Criteria: ACMG Guidelines, 2015. Collection method: clinical testing. Allele origin: germline. Inheritance: Autosomal dominant inheritance. Observed: 1 variant allele, 1 heterozygote.
Comment: This study involves interpretation of variants in research participants for the purpose of population health screening. Participant phenotype was not available at the time of variant classification. Additional details can be found in publication PMID: 35346344, PMCID: PMC8962531

NM_000038.6(APC):c.6074G>T (p.Ser2025Ile)

Gene: APC (APC regulator of Wnt signaling pathway; plus strand). Cytogenetic location: 5q22.2.
Variant type: single nucleotide variant.
Coding change: c.6074G>T on transcript NM_000038.6 (MANE Select); coding-DNA position 6074, G replaced by T.
Protein change: p.Ser2025Ile; replaces serine 2025 with isoleucine.
Molecular consequence: missense variant. On other transcripts: non-coding transcript variant (2).
Genome position (GRCh38, 1-based): chr5:112,841,668, G>T. VCF-style: chr5-112841668-G-T. GRCh37 (hg19) VCF-style: chr5-112177365-G-T.
Other names: c.6074G>T, p.Ser2025Ile (NM_001127510.3, NM_001354895.2, NM_001407450.1); c.6020G>T, p.Ser2007Ile (NM_001127511.3); c.6128G>T, p.Ser2043Ile (NM_001354896.2, NM_001407447.1, NM_001407448.1 and 1 more transcripts); c.6104G>T, p.Ser2035Ile (NM_001354897.2); c.5999G>T, p.Ser2000Ile (NM_001354898.2); c.5990G>T, p.Ser1997Ile (NM_001354899.2); c.5951G>T, p.Ser1984Ile (NM_001354900.2); c.5897G>T, p.Ser1966Ile (NM_001354901.2, NM_001407453.1); and 11 more; short protein forms S1641I, S1742I, S1865I, S1896I, S1899I, S1924I, S1934I, S1942I.
Identifiers: ClinVar variation 3072108 (VCV003072108.3), dbSNP rs1419565228, ClinGen allele CA16034627.